The following is an entry in ClinVar:

ClinVar aggregate classification (germline): Likely benign (1 of 4 stars; one submission).

gnomAD v4.1: 3 of 1,614,042 alleles (0.00019%); highest among the groups gnomAD compares: Admixed American, 0.0017%; no homozygotes.

Submission:

CeGaT Center for Human Genetics Tuebingen
Classification: Likely benign. Last evaluated: 2025-11-01. Review status: criteria provided, single submitter. Criteria: CeGaT Center For Human Genetics Tuebingen Variant Classification Criteria Version 2. Collection method: clinical testing. Allele origin: germline. Affected: yes. Observed: 1 variant allele.
Comment: EP300: BP4, BP7

NM_001429.4(EP300):c.6984C>T (p.Ser2328=)

Gene: EP300 (EP300 lysine acetyltransferase; plus strand). Cytogenetic location: 22q13.2.
Variant type: single nucleotide variant.
Coding change: c.6984C>T on transcript NM_001429.4 (MANE Select); coding-DNA position 6984, C replaced by T.
Protein change: p.Ser2328=; no amino-acid change (serine 2328 retained).
Molecular consequence: synonymous variant.
Genome position (GRCh38, 1-based): chr22:41,178,695, C>T. VCF-style: chr22-41178695-C-T. GRCh37 (hg19) VCF-style: chr22-41574699-C-T.
Other names: c.6906C>T, p.Ser2302= (NM_001362843.2).
Identifiers: ClinVar variation 4533665 (VCV004533665.6).
Genomic context (GRCh38, chr22:41,178,695, plus strand): 5'-CTCTCCCCAGCCTGTCCCTTCTCCACGGCCACAGTCCCAGCCCCCCCACTCCAGTCCTTC[C>T]CCAAGGATGCAGCCTCAGCCTTCTCCACACCACGTTTCCCCACAGACAAGTTCCCCACAT-3'
Protein context (NP_001420.2, residues 2318-2338): PQSQPPHSSP[Ser2328=]PRMQPQPSPH